The following is an entry in ClinVar:

ClinVar aggregate classification (germline): Conflicting classifications of pathogenicity. Review status: criteria provided, conflicting classifications (1 of 4 stars). 8 submissions from 8 submitters: Uncertain significance (4); Likely benign (3). 1 of the submissions does not count toward it. Last evaluated 2026-07-24.

Conditions:
NTRK1-related disorder. Also called: NTRK1-related condition.
Hereditary insensitivity to pain with anhidrosis (CIPA). Also called: NEUROPATHY, CONGENITAL SENSORY, WITH ANHIDROSIS; NTRK1 Congenital Insensitivity to Pain with Anhidrosis; INSENSITIVITY TO PAIN, CONGENITAL, WITH ANHIDROSIS; hereditary sensory and autonomic neuropathy type 4; HSAN Type IV; FAMILIAL DYSAUTONOMIA, TYPE II. Identifiers: Orphanet 642, MedGen C0020074, MONDO:0009746, OMIM 256800.
Familial medullary thyroid carcinoma (MTC). Also called: Thyroid cancer, familial medullary; MTC, familial; Familial Medullary Thyroid Carcinoma (FMTC). Identifiers: Orphanet 653, Orphanet 99361, MedGen C1833921, MONDO:0007958, OMIM 155240.
Inborn genetic diseases. Identifiers: MedGen C0950123, MeSH D030342.

Allele frequency attached by ClinVar (database versions not stated): gnomAD exomes 0.00011 and 0.00027; gnomAD 0.00012 and 0.00013; TOPMed 0.00012; ExAC 0.00016; ESP Exome Variant Server 0.00015.
gnomAD v4.1: 190 of 1,609,402 alleles (0.012%); highest among the groups gnomAD compares: Non-Finnish European, 0.0019%; no homozygotes.

Submissions (8):

GeneDx
Classification: Uncertain significance. Last evaluated: 2026-07-24. Review status: criteria provided, single submitter. Criteria: GeneDx Variant Classification Process June 2021. Collection method: clinical testing. Allele origin: germline.
Comment: Reported previously as a variant of uncertain significance in a patient with congenital insensitivity to pain and anhidrosis who harbored numerous other variants in NTRK1 and other genes, including some that were pathogenic (PMID: 32807182); In silico analysis supports a deleterious effect on splicing; In silico analysis suggests that this missense variant does not alter protein structure/function; This variant is associated with the following publications: (PMID: 34160418, 32807182)

Labcorp Genetics (formerly Invitae), Labcorp
Classification: Likely benign for Hereditary insensitivity to pain with anhidrosis. Last evaluated: 2026-02-02. Review status: criteria provided, single submitter. Criteria: Invitae Variant Classification Sherloc (09022015). Collection method: clinical testing. Allele origin: germline.

Women's Health and Genetics/Laboratory Corporation of America, LabCorp
Classification: Likely benign. Last evaluated: 2025-03-10. Review status: criteria provided, single submitter. Criteria: LabCorp Variant Classification Summary - May 2015. Collection method: clinical testing. Allele origin: germline.
Comment: Variant summary: NTRK1 c.570C>G (p.Ser190Arg) results in a non-conservative amino acid change in the encoded protein sequence. Three of five in-silico tools predict a benign effect of the variant on protein function. The variant allele was found at a frequency of 0.00012 in 1609402 control chromosomes, predominantly at a frequency of 0.005 within the Ashkenazi Jewish subpopulation in the gnomAD database. The observed variant frequency within Ashkenazi Jewish control individuals in the gnomAD database exceeds the estimated maximal expected allele frequency for a pathogenic variant in NTRK1 causing Hereditary insensitivity to pain with anhidrosis phenotype. c.570C>G has been reported in the literature as a VUS in an individuals affected with Hereditary insensitivity to pain with anhidrosis, who had many other variants in NTRK1, including two which were reprted to be causal (Lopez-Cortes_2020). This report does not provide unequivocal conclusions about association of the variant with Hereditary insensitivity to pain with anhidrosis. To our knowledge, no experimental evidence demonstrating an impact on protein function has been reported. The following publication have been ascertained in the context of this evaluation (PMID: 32807182). ClinVar contains an entry for this variant (Variation ID: 292878). Based on the evidence outlined above, the variant was classified as likely benign.

Mayo Clinic Laboratories, Mayo Clinic
Classification: Uncertain significance. Last evaluated: 2020-09-28. Review status: criteria provided, single submitter. Criteria: ACMG Guidelines, 2015. Collection method: clinical testing. Allele origin: germline. Observed: 2 variant alleles.

Ambry Genetics
Classification: Likely benign for Inborn genetic diseases. Last evaluated: 2020-07-15. Review status: criteria provided, single submitter. Criteria: Ambry Variant Classification Scheme 2023. Collection method: clinical testing. Allele origin: germline.

Mendelics
Classification: Uncertain significance for Familial medullary thyroid carcinoma. Last evaluated: 2018-07-02. Review status: criteria provided, single submitter. Criteria: Mendelics Assertion Criteria 2017. Collection method: clinical testing. Allele origin: unknown.

Illumina Laboratory Services, Illumina
Classification: Uncertain significance for Hereditary insensitivity to pain with anhidrosis. Last evaluated: 2018-01-13. Review status: criteria provided, single submitter. Criteria: ICSL Variant Classification Criteria 13 December 2019. Collection method: clinical testing. Allele origin: germline.

PreventionGenetics, part of Exact Sciences
Classification: Likely benign for NTRK1-related condition. Last evaluated: 2020-09-02. Review status: no assertion criteria provided. Collection method: clinical testing. Allele origin: germline. Not counted in ClinVar's aggregate classification.
Comment: This variant is classified as likely benign based on ACMG/AMP sequence variant interpretation guidelines (Richards et al. 2015 PMID: 25741868, with internal and published modifications).

Literature cited by the submitters: PubMed 32807182 (cited by Women's Health and Genetics/Laboratory Corporation of America, LabCorp).

NM_002529.4(NTRK1):c.570C>G (p.Ser190Arg)

Gene: NTRK1 (neurotrophic receptor tyrosine kinase 1; plus strand). Cytogenetic location: 1q23.1.
Variant type: single nucleotide variant.
Coding change: c.570C>G on transcript NM_002529.4 (MANE Select); coding-DNA position 570, C replaced by G.
Protein change: p.Ser190Arg; replaces serine 190 with arginine.
Molecular consequence: missense variant.
Genome position (GRCh38, 1-based): chr1:156,868,245, C>G. VCF-style: chr1-156868245-C-G. GRCh37 (hg19) VCF-style: chr1-156838037-C-G.
Other names: c.480C>G, p.Ser160Arg (NM_001007792.1); c.570C>G, p.Ser190Arg (NM_001012331.2); short protein forms S160R, S190R.
Identifiers: ClinVar variation 292878 (VCV000292878.29), dbSNP rs138608619, ClinGen allele CA1169019.